The following is an entry in ClinVar:

NM_001142784.3(IL11RA):c.809C>T (p.Thr270Met)

Gene: IL11RA (interleukin 11 receptor subunit alpha; plus strand). Cytogenetic location: 9p13.3.
Variant type: single nucleotide variant.
Coding change: c.809C>T on transcript NM_001142784.3 (MANE Select); coding-DNA position 809, C replaced by T.
Protein change: p.Thr270Met; replaces threonine 270 with methionine.
Molecular consequence: missense variant. On other transcripts: non-coding transcript variant (1).
Genome position (GRCh38, 1-based): chr9:34,658,682, C>T. VCF-style: chr9-34658682-C-T. GRCh37 (hg19) VCF-style: chr9-34658679-C-T.
Other names: short protein forms T270M.
Identifiers: ClinVar variation 1915039 (VCV001915039.6), dbSNP rs753306721, ClinGen allele CA5036600.

ClinVar aggregate classification (germline): Uncertain significance. Review status: criteria provided, multiple submitters, no conflicts (2 of 4 stars). 2 submissions from 2 submitters: Uncertain significance (2). Last evaluated 2022-06-13.

Allele frequency attached by ClinVar (database versions not stated): ExAC 0.00001; gnomAD 0.00001; gnomAD exomes 0.00002; TOPMed 0.00002.
gnomAD v4.1: 24 of 1,612,026 alleles (0.0015%); highest among the groups gnomAD compares: Middle Eastern, 0.016%; no homozygotes.

Submissions (2):

Labcorp Genetics (formerly Invitae), Labcorp
Classification: Uncertain significance. Last evaluated: 2022-06-13. Review status: criteria provided, single submitter. Criteria: Invitae Variant Classification Sherloc (09022015). Collection method: clinical testing. Allele origin: germline.
Comment: In summary, the available evidence is currently insufficient to determine the role of this variant in disease. Therefore, it has been classified as a Variant of Uncertain Significance. Algorithms developed to predict the effect of missense changes on protein structure and function output the following: SIFT: "Tolerated"; PolyPhen-2: "Benign"; Align-GVGD: "Class C0". The methionine amino acid residue is found in multiple mammalian species, which suggests that this missense change does not adversely affect protein function. This variant has not been reported in the literature in individuals affected with IL11RA-related conditions. This variant is present in population databases (rs753306721, gnomAD 0.01%). This sequence change replaces threonine, which is neutral and polar, with methionine, which is neutral and non-polar, at codon 270 of the IL11RA protein (p.Thr270Met).

Blueprint Genetics
Classification: Uncertain significance. Last evaluated: 2019-11-28. Review status: criteria provided, single submitter. Criteria: ACMG Guidelines, 2015. Collection method: clinical testing. Allele origin: germline.